The following is an entry in ClinVar:

NM_015192.4(PLCB1):c.1317G>C (p.Glu439Asp)

Gene: PLCB1 (phospholipase C beta 1; plus strand). Cytogenetic location: 20p12.3.
Variant type: single nucleotide variant.
Coding change: c.1317G>C on transcript NM_015192.4 (MANE Select); coding-DNA position 1317, G replaced by C.
Protein change: p.Glu439Asp; replaces glutamic acid 439 with aspartic acid.
Molecular consequence: missense variant.
Genome position (GRCh38, 1-based): chr20:8,716,330, G>C. VCF-style: chr20-8716330-G-C. GRCh37 (hg19) VCF-style: chr20-8696977-G-C.
Other names: c.1317G>C, p.Glu439Asp (NM_182734.3); short protein forms E439D.
Identifiers: ClinVar variation 654932 (VCV000654932.9), dbSNP rs746127346, ClinGen allele CA9759924.

ClinVar aggregate classification (germline): Uncertain significance (1 of 4 stars; one submission).

Conditions:
Developmental and epileptic encephalopathy, 12 (DEE12). Identifiers: MedGen C3150988, MONDO:0013389, OMIM 613722.

Allele frequency attached by ClinVar (database versions not stated): gnomAD 0.00001 and 0.00003; TOPMed 0.00001; ExAC 0.00003; gnomAD exomes 0.00006.
gnomAD v4.1: 28 of 1,613,428 alleles (0.0017%); no homozygotes.

Submission:

Labcorp Genetics (formerly Invitae), Labcorp
Classification: Uncertain significance for Developmental and epileptic encephalopathy, 12. Last evaluated: 2021-07-09. Review status: criteria provided, single submitter. Criteria: Invitae Variant Classification Sherloc (09022015). Collection method: clinical testing. Allele origin: germline.
Comment: In summary, the available evidence is currently insufficient to determine the role of this variant in disease. Therefore, it has been classified as a Variant of Uncertain Significance. Algorithms developed to predict the effect of missense changes on protein structure and function (SIFT, PolyPhen-2, Align-GVGD) all suggest that this variant is likely to be tolerated, but these predictions have not been confirmed by published functional studies and their clinical significance is uncertain. This variant has not been reported in the literature in individuals with PLCB1-related disease. This variant is present in population databases (rs746127346, ExAC 0.02%). This sequence change replaces glutamic acid with aspartic acid at codon 439 of the PLCB1 protein (p.Glu439Asp). The glutamic acid residue is moderately conserved and there is a small physicochemical difference between glutamic acid and aspartic acid.